The following is an entry in ClinVar:

NM_001355436.2(SPTB):c.6518G>C (p.Arg2173Pro)

Gene: SPTB (spectrin beta, erythrocytic; minus strand). Cytogenetic location: 14q23.3.
Variant type: single nucleotide variant.
Coding change: c.6518G>C on transcript NM_001355436.2 (MANE Select); coding-DNA position 6518, G replaced by C.
Protein change: p.Arg2173Pro; replaces arginine 2173 with proline.
Molecular consequence: missense variant.
Genome position (GRCh38, 1-based): chr14:64,753,621, C>G on the plus strand (G>C on the coding strand, the complement: SPTB is on the minus strand). VCF-style: chr14-64753621-C-G. GRCh37 (hg19) VCF-style: chr14-65220339-C-G.
Other names: p.Arg2173Pro; c.6518G>C, p.Arg2173Pro (NM_001024858.4); short protein forms R2173P.
Identifiers: ClinVar variation 2560857 (VCV002560857.30), dbSNP rs146688698, ClinGen allele CA7229536.

ClinVar aggregate classification (germline): Conflicting classifications of pathogenicity. Review status: criteria provided, conflicting classifications (1 of 4 stars). 5 submissions from 5 submitters: Uncertain significance (1); Likely benign (3). 1 of the submissions does not count toward it. Last evaluated 2025-09-10.

Conditions:
SPTB-related disorder. Also called: SPTB-Related Disorders; SPTB-related condition.
Inborn genetic diseases. Identifiers: MedGen C0950123, MeSH D030342.

Allele frequency attached by ClinVar (database versions not stated): ESP Exome Variant Server 0.00100.
gnomAD v4.1: 183 of 1,613,660 alleles (0.011%); highest among the groups gnomAD compares: African/African-American, 0.21%; 1 homozygote.

Submissions (5):

Ambry Genetics
Classification: Uncertain significance for Inborn genetic diseases. Last evaluated: 2025-09-10. Review status: criteria provided, single submitter. Criteria: Ambry Variant Classification Scheme 2023. Collection method: clinical testing. Allele origin: germline.

ARUP Laboratories, Molecular Genetics and Genomics, ARUP Laboratories
Classification: Likely benign. Last evaluated: 2025-07-28. Review status: criteria provided, single submitter. Criteria: ARUP Molecular Germline Variant Investigation Process 2024. Collection method: clinical testing. Allele origin: germline.

Mayo Clinic Laboratories, Mayo Clinic
Classification: Likely benign. Last evaluated: 2024-11-11. Review status: criteria provided, single submitter. Criteria: ACMG Guidelines, 2015. Collection method: clinical testing. Allele origin: germline. Observed: 3 variant alleles.
Comment: BS2, BP4

CeGaT Center for Human Genetics Tuebingen
Classification: Likely benign. Last evaluated: 2022-12-01. Review status: criteria provided, single submitter. Criteria: CeGaT Center For Human Genetics Tuebingen Variant Classification Criteria Version 2. Collection method: clinical testing. Allele origin: germline. Affected: yes. Observed: 1 variant allele.
Comment: SPTB: BP4

PreventionGenetics, part of Exact Sciences
Classification: Likely benign for SPTB-related condition. Last evaluated: 2022-10-03. Review status: no assertion criteria provided. Collection method: clinical testing. Allele origin: germline. Not counted in ClinVar's aggregate classification.
Comment: This variant is classified as likely benign based on ACMG/AMP sequence variant interpretation guidelines (Richards et al. 2015 PMID: 25741868, with internal and published modifications).